The following is an entry in ClinVar:

NM_000059.4(BRCA2):c.-48C>T

Genes: BRCA2 (BRCA2 DNA repair associated; plus strand), LOC106721785 (BRCA2 promoter/silencer region; plus strand). Cytogenetic location: 13q13.1.
Variant type: single nucleotide variant.
Coding change: c.-48C>T on transcript NM_000059.4 (MANE Select); 48 bases upstream of the start codon, C replaced by T.
Molecular consequence: 5 prime UTR variant. On other transcripts: non-coding transcript variant (1).
Genome position (GRCh38, 1-based): chr13:32,315,659, C>T. VCF-style: chr13-32315659-C-T. GRCh37 (hg19) VCF-style: chr13-32889796-C-T.
Other names: c.-48C>T (NM_001406719.1, NM_001406720.1, NM_001406721.1); c.-311C>T (NM_001406722.1).
Identifiers: ClinVar variation 2700378 (VCV002700378.3), dbSNP rs2548508866, ClinGen allele CA2697551707.

ClinVar aggregate classification (germline): Uncertain significance (1 of 4 stars; one submission).

Conditions:
Hereditary breast ovarian cancer syndrome. Also called: BRCA1- and BRCA2-Associated Hereditary Breast and Ovarian Cancer; Hereditary breast and ovarian cancer; Hereditary breast and ovarian cancer syndrome (HBOC); Hereditary breast and ovarian cancer syndrome; Hereditary breast and/or ovarian cancer syndrome; Breast and ovarian cancer. Identifiers: Orphanet 145, MedGen C0677776, MeSH D061325, MONDO:0003582. Disease mechanism: loss of function.

Submission:

Labcorp Genetics (formerly Invitae), Labcorp
Classification: Uncertain significance for Hereditary breast ovarian cancer syndrome. Last evaluated: 2023-06-09. Review status: criteria provided, single submitter. Criteria: Invitae Variant Classification Sherloc (09022015). Collection method: clinical testing. Allele origin: germline.
Comment: In summary, the available evidence is currently insufficient to determine the role of this variant in disease. Therefore, it has been classified as a Variant of Uncertain Significance. This variant has not been reported in the literature in individuals affected with BRCA2-related conditions. This variant is not present in population databases (gnomAD no frequency). This variant occurs in a non-coding region of the BRCA2 gene. It does not change the encoded amino acid sequence of the BRCA2 protein.